The following is an entry in ClinVar:

ClinVar aggregate classification (germline): Likely pathogenic (1 of 4 stars; one submission).

Submission:

GeneDx
Classification: Likely pathogenic. Last evaluated: 2017-01-30. Review status: criteria provided, single submitter. Criteria: GeneDx Variant Classification (06012015). Collection method: clinical testing. Allele origin: germline. Affected: yes.
Comment: The c.414_417dupGAGC variant in the PPIB gene has not been reported previously as a pathogenic variant nor as a benign variant, to our knowledge. The c.414_417dupGAGC variant causes a frameshift starting with codon Methionine 140, changes this amino acid to a Glutamic Acid residue, and creates a premature Stop codon at position 54 of the new reading frame, denoted p.Met140GlufsX54. This variant is predicted to cause loss of normal protein function through protein truncation. The c.414_417dupGAGC variant was not observed in approximately 6500 individuals of European and African American ancestry in the NHLBI Exome Sequencing Project, indicating it is not a common benign variant in these populations. We interpret c.414_417dupGAGC as a likely pathogenic variant.

NM_000942.5(PPIB):c.414_417dup (p.Met140fs)

Genes: PPIB (peptidylprolyl isomerase B; minus strand), SNX22 (sorting nexin 22; plus strand). Cytogenetic location: 15q22.31.
Variant type: Duplication.
Coding change: c.414_417dup on transcript NM_000942.5 (MANE Select); coding-DNA positions 414 to 417, 4 bases duplicated (GAGC; older notation c.414_417dupGAGC).
Protein change: p.Met140fs; shifts the reading frame from methionine 140.
Molecular consequence: frameshift variant. On other transcripts: 3 prime UTR variant (1), non-coding transcript variant (1).
Genome position (GRCh38, 1-based): chr15:64,156,836-64,156,839, GCTC duplicated on the plus strand (GAGC on the coding strand, the reverse complement: PPIB is on the minus strand). VCF-style (leftmost placement, unchanged base first): chr15-64156835-T-TGCTC. GRCh37 (hg19) VCF-style: chr15-64449034-T-TGCTC.
Other names: c.414_417dupGAGC (NM_000942.4); c.*2328_*2331dup (NM_024798.3); short protein forms M140fs.
Identifiers: ClinVar variation 423387 (VCV000423387.2), dbSNP rs1555496051, ClinGen allele CA16619986.